The following is an entry in ClinVar:

NM_005356.5(LCK):c.665G>A (p.Arg222His)

Gene: LCK (LCK proto-oncogene, Src family tyrosine kinase; plus strand). Cytogenetic location: 1p35.2.
Variant type: single nucleotide variant.
Coding change: c.665G>A on transcript NM_005356.5 (MANE Select); coding-DNA position 665, G replaced by A.
Protein change: p.Arg222His; replaces arginine 222 with histidine.
Molecular consequence: missense variant. On other transcripts: intron variant (1).
Genome position (GRCh38, 1-based): chr1:32,276,370, G>A. VCF-style: chr1-32276370-G-A. GRCh37 (hg19) VCF-style: chr1-32741971-G-A.
Other names: c.665G>A, p.Arg222His (NM_001042771.3); c.632-237G>A (NM_001330468.2); c.665G>A (NM_005356.3); short protein forms R222H.
Identifiers: ClinVar variation 1427602 (VCV001427602.6), dbSNP rs749760246, ClinGen allele CA741184.

ClinVar aggregate classification (germline): Uncertain significance. Review status: criteria provided, multiple submitters, no conflicts (2 of 4 stars). 2 submissions from 2 submitters: Uncertain significance (2). Last evaluated 2022-09-07.

Conditions:
Severe combined immunodeficiency due to LCK deficiency. Also called: Immunodeficiency 22. Identifiers: Orphanet 280142, MedGen C4014233, MONDO:0014334, OMIM 615758.

Allele frequency attached by ClinVar (database versions not stated): TOPMed below 0.00001; ExAC 0.00001; gnomAD exomes 0.00001.
gnomAD v4.1: 3 of 1,610,334 alleles (0.00019%); highest among the groups gnomAD compares: East Asian, 0.0045%; no homozygotes.

Submissions (2):

Ambry Genetics
Classification: Uncertain significance. Last evaluated: 2022-09-07. Review status: criteria provided, single submitter. Criteria: Ambry Variant Classification Scheme 2023. Collection method: clinical testing. Allele origin: germline.

Labcorp Genetics (formerly Invitae), Labcorp
Classification: Uncertain significance for Severe combined immunodeficiency due to LCK deficiency. Last evaluated: 2021-09-01. Review status: criteria provided, single submitter. Criteria: Invitae Variant Classification Sherloc (09022015). Collection method: clinical testing. Allele origin: germline.
Comment: This sequence change replaces arginine with histidine at codon 222 of the LCK protein (p.Arg222His). The arginine residue is highly conserved and there is a small physicochemical difference between arginine and histidine. This variant is present in population databases (rs749760246, ExAC 0.002%). This variant has not been reported in the literature in individuals affected with LCK-related conditions. Algorithms developed to predict the effect of missense changes on protein structure and function are either unavailable or do not agree on the potential impact of this missense change (SIFT: "Deleterious"; PolyPhen-2: "Benign"; Align-GVGD: "Class C0"). In summary, the available evidence is currently insufficient to determine the role of this variant in disease. Therefore, it has been classified as a Variant of Uncertain Significance.